The following is an entry in ClinVar:

NM_012330.4(KAT6B):c.2008A>G (p.Ile670Val)

Gene: KAT6B (lysine acetyltransferase 6B; plus strand). Cytogenetic location: 10q22.2.
Variant type: single nucleotide variant.
Coding change: c.2008A>G on transcript NM_012330.4 (MANE Select); coding-DNA position 2008, A replaced by G.
Protein change: p.Ile670Val; replaces isoleucine 670 with valine.
Molecular consequence: missense variant. On other transcripts: intron variant (3).
Genome position (GRCh38, 1-based): chr10:74,977,330, A>G. VCF-style: chr10-74977330-A-G. GRCh37 (hg19) VCF-style: chr10-76737088-A-G.
Other names: c.1459A>G, p.Ile487Val (NM_001256468.2, NM_001370138.1); c.1132A>G, p.Ile378Val (NM_001256469.2, NM_001370132.1, NM_001370139.1 and 3 more transcripts); c.2008A>G, p.Ile670Val (NM_001370136.1, NM_001370137.1); c.2008A>G (NM_012330.3); c.943A>G, p.Ile315Val (NM_001370143.1, NM_001370144.1); c.846+7555A>G (NM_001370133.1); c.193-1894A>G (NM_001370134.1); c.193-11689A>G (NM_001370135.1); short protein forms I315V, I378V, I487V, I670V.
Identifiers: ClinVar variation 1973750 (VCV001973750.7), dbSNP rs145378526, ClinGen allele CA5564510.

ClinVar aggregate classification (germline): Benign. Review status: criteria provided, multiple submitters, no conflicts (2 of 4 stars). 3 submissions from 3 submitters: Benign (2). 1 of the submissions does not count toward it. Last evaluated 2024-11-11.

Conditions:
Genitopatellar syndrome (GTPTS). Also called: ABSENT PATELLAE, SCROTAL HYPOPLASIA, RENAL ANOMALIES, FACIAL DYSMORPHISM, AND MENTAL RETARDATION; Genitopatellar syndrome (GPS). Identifiers: Orphanet 85201, MedGen C1853566, MONDO:0011640, OMIM 606170.
KAT6B-related disorder. Also called: KAT6B-related disorders; KAT6B-related condition.

Allele frequency attached by ClinVar (database versions not stated): ExAC 0.00002; gnomAD 0.00002; gnomAD exomes 0.00002; TOPMed 0.00002; ESP Exome Variant Server 0.00008.
gnomAD v4.1: 38 of 1,613,498 alleles (0.0024%); highest among the groups gnomAD compares: Middle Eastern, 0.016%; no homozygotes.

Submissions (3):

Labcorp Genetics (formerly Invitae), Labcorp
Classification: Benign for Genitopatellar syndrome. Last evaluated: 2024-11-11. Review status: criteria provided, single submitter. Criteria: Invitae Variant Classification Sherloc (09022015). Collection method: clinical testing. Allele origin: germline.

Breakthrough Genomics
Classification: Benign. Review status: criteria provided, single submitter. Criteria: ACMG Guidelines, 2015. Collection method: not provided. Allele origin: germline. Inheritance: Autosomal dominant inheritance. Affected: yes.

PreventionGenetics, part of Exact Sciences
Classification: Uncertain significance for KAT6B-related condition. Last evaluated: 2024-08-24. Review status: no assertion criteria provided. Collection method: clinical testing. Allele origin: germline. Not counted in ClinVar's aggregate classification.
Comment: The KAT6B c.2008A>G variant is predicted to result in the amino acid substitution p.Ile670Val. To our knowledge, this variant has not been reported in the literature. This variant is reported in 0.0054% of alleles in individuals of European (Non-Finnish) descent in gnomAD. Although we suspect that this variant may be benign, the clinical significance of this variant is classified as uncertain at this time due to insufficient functional and genetic evidence.